The following is an entry in ClinVar:

NM_001457.4(FLNB):c.3260G>T (p.Cys1087Phe)

Gene: FLNB (filamin B; plus strand). Cytogenetic location: 3p14.3.
Variant type: single nucleotide variant.
Coding change: c.3260G>T on transcript NM_001457.4 (MANE Select); coding-DNA position 3260, G replaced by T.
Protein change: p.Cys1087Phe; replaces cysteine 1087 with phenylalanine.
Molecular consequence: missense variant.
Genome position (GRCh38, 1-based): chr3:58,123,226, G>T. VCF-style: chr3-58123226-G-T. GRCh37 (hg19) VCF-style: chr3-58108953-G-T.
Other names: c.3260G>T (NM_001457.3); c.3260G>T, p.Cys1087Phe (NM_001164317.2, NM_001164318.2, NM_001164319.2); short protein forms C1087F.
Identifiers: ClinVar variation 2959010 (VCV002959010.5), dbSNP rs1292094992, ClinGen allele CA353348429.

ClinVar aggregate classification (germline): Uncertain significance. Review status: criteria provided, multiple submitters, no conflicts (2 of 4 stars). 3 submissions from 3 submitters: Uncertain significance (3). Last evaluated 2025-06-07.

Conditions:
Inborn genetic diseases. Identifiers: MedGen C0950123, MeSH D030342.

Allele frequency attached by ClinVar (database versions not stated): TOPMed below 0.00001; gnomAD 0.00001; gnomAD exomes 0.00001.
gnomAD v4.1: 10 of 1,614,028 alleles (0.00062%); highest among the groups gnomAD compares: African/African-American, 0.0013%; no homozygotes.

Submissions (3):

Ambry Genetics
Classification: Uncertain significance for Inborn genetic diseases. Last evaluated: 2025-06-07. Review status: criteria provided, single submitter. Criteria: Ambry Variant Classification Scheme 2023. Collection method: clinical testing. Allele origin: germline.

Revvity Omics, Revvity
Classification: Uncertain significance. Last evaluated: 2025-03-27. Review status: criteria provided, single submitter. Criteria: ACMG Guidelines, 2015. Collection method: clinical testing. Allele origin: germline.

Labcorp Genetics (formerly Invitae), Labcorp
Classification: Uncertain significance. Last evaluated: 2023-05-16. Review status: criteria provided, single submitter. Criteria: Invitae Variant Classification Sherloc (09022015). Collection method: clinical testing. Allele origin: germline.
Comment: This variant has not been reported in the literature in individuals affected with FLNB-related conditions. Advanced modeling of protein sequence and biophysical properties (such as structural, functional, and spatial information, amino acid conservation, physicochemical variation, residue mobility, and thermodynamic stability) performed at Invitae indicates that this missense variant is not expected to disrupt FLNB protein function. In summary, the available evidence is currently insufficient to determine the role of this variant in disease. Therefore, it has been classified as a Variant of Uncertain Significance. This variant is present in population databases (no rsID available, gnomAD 0.003%). This sequence change replaces cysteine, which is neutral and slightly polar, with phenylalanine, which is neutral and non-polar, at codon 1087 of the FLNB protein (p.Cys1087Phe).